The following is an entry in ClinVar:

NM_000384.3(APOB):c.7540G>A (p.Glu2514Lys)

Gene: APOB (apolipoprotein B; minus strand). Cytogenetic location: 2p24.1.
Variant type: single nucleotide variant.
Coding change: c.7540G>A on transcript NM_000384.3 (MANE Select); coding-DNA position 7540, G replaced by A.
Protein change: p.Glu2514Lys; replaces glutamic acid 2514 with lysine.
Molecular consequence: missense variant.
Genome position (GRCh38, 1-based): chr2:21,009,328, C>T on the plus strand (G>A on the coding strand, the complement: APOB is on the minus strand). VCF-style: chr2-21009328-C-T. GRCh37 (hg19) VCF-style: chr2-21232200-C-T.
Other names: short protein forms E2514K.
Identifiers: ClinVar variation 918382 (VCV000918382.8), dbSNP rs1216733455, ClinGen allele CA345996934.

ClinVar aggregate classification (germline): Conflicting classifications of pathogenicity. Review status: criteria provided, conflicting classifications (1 of 4 stars). 3 submissions from 3 submitters: Uncertain significance (2); Likely benign (1). Last evaluated 2024-08-31.

Conditions:
Cardiovascular phenotype. Identifiers: MedGen CN230736.
Familial hypobetalipoproteinemia 1. Also called: Hypobetalipoproteinemia, normotriglyceridemic; Acanthocytosis with hypobetalipoproteinemia; APOB-Related Familial Hypobetalipoproteinemia. Identifiers: MedGen C4551990, MONDO:0014252, OMIM 615558.
Hypercholesterolemia, autosomal dominant, type B (FHCL2). Also called: Familial Hypercholesterolemia Type B; HYPERCHOLESTEROLEMIA, FAMILIAL, DUE TO LIGAND-DEFECTIVE APOLIPOPROTEIN B; Familial hypercholesterolemia 2; APOB-Related Familial Hypercholesterolemia, Autosomal Dominant; APOLIPOPROTEIN B-100, FAMILIAL DEFECTIVE; APOLIPOPROTEIN B-100, FAMILIAL LIGAND-DEFECTIVE. Identifiers: MedGen C1704417, MONDO:0007751, OMIM 144010.

Allele frequency attached by ClinVar (database versions not stated): gnomAD exomes below 0.00001.
gnomAD v4.1: 1 of 1,614,068 alleles (0.000062%); highest among the groups gnomAD compares: Admixed American, 0.0017%; no homozygotes.

Submissions (3):

Ambry Genetics
Classification: Uncertain significance for Cardiovascular phenotype. Last evaluated: 2024-08-31. Review status: criteria provided, single submitter. Criteria: Ambry Variant Classification Scheme 2023. Collection method: clinical testing. Allele origin: germline.
Comment: The p.E2514K variant (also known as c.7540G>A), located in coding exon 26 of the APOB gene, results from a G to A substitution at nucleotide position 7540. The glutamic acid at codon 2514 is replaced by lysine, an amino acid with similar properties. This amino acid position is conserved. In addition, this alteration is predicted to be tolerated by in silico analysis. Based on the available evidence, the clinical significance of this variant remains unclear.

Labcorp Genetics (formerly Invitae), Labcorp
Classification: Likely benign for Familial hypobetalipoproteinemia 1; Hypercholesterolemia, autosomal dominant, type B. Last evaluated: 2024-03-07. Review status: criteria provided, single submitter. Criteria: Invitae Variant Classification Sherloc (09022015). Collection method: clinical testing. Allele origin: germline.

Fulgent Genetics
Classification: Uncertain significance for Hypercholesterolemia, autosomal dominant, type B; Familial hypobetalipoproteinemia 1. Last evaluated: 2021-09-10. Review status: criteria provided, single submitter. Criteria: ACMG Guidelines, 2015. Collection method: clinical testing. Allele origin: unknown.